The following is an entry in ClinVar:

NM_001349253.2(SCN11A):c.4610_4611del (p.Phe1537fs)

Gene: SCN11A (sodium voltage-gated channel alpha subunit 11; minus strand). Cytogenetic location: 3p22.2.
Variant type: Deletion.
Coding change: c.4610_4611del on transcript NM_001349253.2 (MANE Select); coding-DNA positions 4610 to 4611, 2 bases deleted (TT; older notation c.4610_4611delTT).
Protein change: p.Phe1537fs; shifts the reading frame from phenylalanine 1537.
Molecular consequence: frameshift variant.
Genome position (GRCh38, 1-based): chr3:38,847,459-38,847,460, AA deleted on the plus strand (TT on the coding strand, the reverse complement: SCN11A is on the minus strand); deleting any 2 consecutive bases within chr3:38,847,459-38,847,462 gives the same sequence; the c. name uses the placement nearest the transcript's 3' end. VCF-style (leftmost placement, unchanged base first): chr3-38847458-CAA-C. GRCh37 (hg19) VCF-style: chr3-38888949-CAA-C.
Other names: c.4610_4611del, p.Phe1537fs (NM_014139.3); short protein forms F1537fs.
Identifiers: ClinVar variation 1741888 (VCV001741888.10), dbSNP rs750015613, ClinGen allele CA2321485.

ClinVar aggregate classification (germline): Uncertain significance. Review status: criteria provided, multiple submitters, no conflicts (2 of 4 stars). 4 submissions from 4 submitters: Uncertain significance (2). 2 of the submissions do not count toward it. Last evaluated 2024-08-08.

Conditions:
SCN11A-related disorder. Also called: SCN11A-related condition.
Hereditary sensory and autonomic neuropathy type 7. Also called: Neuropathy, hereditary sensory and autonomic, type VII; HSAN VII. Identifiers: Orphanet 391397, MedGen C3809882, MONDO:0014244, OMIM 615548.
Familial episodic pain syndrome with predominantly lower limb involvement. Also called: Episodic pain syndrome, familial, 3. Identifiers: Orphanet 391384, Orphanet 391392, MedGen C3809899, MONDO:0014247, OMIM 615552.
Inborn genetic diseases. Identifiers: MedGen C0950123, MeSH D030342.

Submissions (4):

Labcorp Genetics (formerly Invitae), Labcorp
Classification: Uncertain significance for Familial episodic pain syndrome with predominantly lower limb involvement; Hereditary sensory and autonomic neuropathy type 7. Last evaluated: 2024-08-08. Review status: criteria provided, single submitter. Criteria: Invitae Variant Classification Sherloc (09022015). Collection method: clinical testing. Allele origin: germline.
Comment: This sequence change creates a premature translational stop signal (p.Phe1537Cysfs*31) in the SCN11A gene. While this is not anticipated to result in nonsense mediated decay, it is expected to disrupt the last 255 amino acid(s) of the SCN11A protein. This variant is present in population databases (rs750015613, gnomAD 0.0009%). This variant has not been reported in the literature in individuals affected with SCN11A-related conditions. ClinVar contains an entry for this variant (Variation ID: 1741888). In summary, the available evidence is currently insufficient to determine the role of this variant in disease. Therefore, it has been classified as a Variant of Uncertain Significance.

Ambry Genetics
Classification: Uncertain significance for Inborn genetic diseases. Last evaluated: 2022-03-29. Review status: criteria provided, single submitter. Criteria: Ambry Variant Classification Scheme 2023. Collection method: clinical testing. Allele origin: germline.
Comment: The c.4610_4611delTT variant, located in coding exon 26 of the SCN11A gene, results from a deletion of two nucleotides at nucleotide positions 4610 to 4611, causing a translational frameshift with a predicted alternate stop codon (p.F1537Cfs*31). This alteration is expected to result in premature protein truncation or nonsense-mediated mRNA decay. However, loss of function of SCN11A has not been clearly established as a mechanism of disease. Since supporting evidence is limited at this time, the clinical significance of this alteration remains unclear.

PreventionGenetics, part of Exact Sciences
Classification: Uncertain significance for SCN11A-related condition. Last evaluated: 2023-12-06. Review status: no assertion criteria provided. Collection method: clinical testing. Allele origin: germline. Not counted in ClinVar's aggregate classification.
Comment: The SCN11A c.4610_4611delTT variant is predicted to result in a frameshift and premature protein termination (p.Phe1537Cysfs*31). To our knowledge, this variant has not been reported in the literature. This variant is reported in 0.0% of alleles in individuals of African descent in gnomAD. Loss of function variants have not commonly been reported in the SCN11A gene. At this time, the clinical significance of this variant is uncertain due to the absence of conclusive functional and genetic evidence.

Next Generation Genetic Polyclinic
Classification: Uncertain significance for Hereditary sensory and autonomic neuropathy type 7. Review status: no assertion criteria provided. Collection method: clinical testing. Allele origin: de novo. Affected: yes. Not counted in ClinVar's aggregate classification.